The following is an entry in ClinVar:

ClinVar aggregate classification (germline): Uncertain significance (1 of 4 stars; one submission).

Submission:

Women's Health and Genetics/Laboratory Corporation of America, LabCorp
Classification: Uncertain significance. Last evaluated: 2026-04-09. Review status: criteria provided, single submitter. Criteria: LabCorp Variant Classification Summary - May 2015. Collection method: clinical testing. Allele origin: germline.
Comment: Variant summary: DGAT1 c.1073G>T (p.Arg358Leu) results in a non-conservative amino acid change in the encoded protein sequence. Algorithms developed to predict the effect of missense changes on protein structure and function all suggest that this variant is likely to be disruptive. The variant was absent in 251056 control chromosomes. The available data on variant occurrences in the general population are insufficient to allow any conclusion about variant significance. To our knowledge, no occurrence of c.1073G>T in individuals affected with DGAT1-related conditions and no experimental evidence demonstrating its impact on protein function have been reported. No submitters have cited clinical-significance assessments for this variant to ClinVar. Based on the evidence outlined above, the variant was classified as uncertain significance.

NM_012079.6(DGAT1):c.1073G>T (p.Arg358Leu)

Genes: DGAT1 (diacylglycerol O-acyltransferase 1; minus strand), LOC130001383 (ATAC-STARR-seq lymphoblastoid active region 28093; plus strand). Cytogenetic location: 8q24.3.
Variant type: single nucleotide variant.
Coding change: c.1073G>T on transcript NM_012079.6 (MANE Select); coding-DNA position 1073, G replaced by T.
Protein change: p.Arg358Leu; replaces arginine 358 with leucine.
Molecular consequence: missense variant.
Genome position (GRCh38, 1-based): chr8:144,317,354, C>A on the plus strand (G>T on the coding strand, the complement: DGAT1 is on the minus strand). VCF-style: chr8-144317354-C-A. GRCh37 (hg19) VCF-style: chr8-145541017-C-A.
Other names: short protein forms R358L.
Identifiers: ClinVar variation 4848728 (VCV004848728.1).